The following is an entry in ClinVar:

ClinVar aggregate classification (germline): Uncertain significance (1 of 4 stars; one submission).

Allele frequency attached by ClinVar (database versions not stated): gnomAD exomes below 0.00001.
gnomAD v4.1: 2 of 1,581,590 alleles (0.00013%); highest among the groups gnomAD compares: Non-Finnish European, 0.00017%; no homozygotes.

Submission:

Ambry Genetics
Classification: Uncertain significance. Last evaluated: 2022-06-24. Review status: criteria provided, single submitter. Criteria: Ambry Variant Classification Scheme 2023. Collection method: clinical testing. Allele origin: germline.
Comment: The p.H980R variant (also known as c.2939A>G), located in coding exon 16 of the POLQ gene, results from an A to G substitution at nucleotide position 2939. The histidine at codon 980 is replaced by arginine, an amino acid with highly similar properties. This amino acid position is conserved. In addition, this alteration is predicted to be tolerated by in silico analysis. Since supporting evidence is limited at this time, the clinical significance of this alteration remains unclear.

NM_199420.4(POLQ):c.2939A>G (p.His980Arg)

Gene: POLQ (DNA polymerase theta; minus strand). Cytogenetic location: 3q13.33.
Variant type: single nucleotide variant.
Coding change: c.2939A>G on transcript NM_199420.4 (MANE Select); coding-DNA position 2939, A replaced by G.
Protein change: p.His980Arg; replaces histidine 980 with arginine.
Molecular consequence: missense variant.
Genome position (GRCh38, 1-based): chr3:121,489,992, T>C on the plus strand (A>G on the coding strand, the complement: POLQ is on the minus strand). VCF-style: chr3-121489992-T-C. GRCh37 (hg19) VCF-style: chr3-121208839-T-C.
Other names: short protein forms H980R.
Identifiers: ClinVar variation 1797881 (VCV001797881.2), dbSNP rs1223506345, ClinGen allele CA354103851.